The following is an entry in ClinVar:

NM_000059.4(BRCA2):c.1348T>G (p.Ser450Ala)

Gene: BRCA2 (BRCA2 DNA repair associated; plus strand). Cytogenetic location: 13q13.1.
Variant type: single nucleotide variant.
Coding change: c.1348T>G on transcript NM_000059.4 (MANE Select); coding-DNA position 1348, T replaced by G.
Protein change: p.Ser450Ala; replaces serine 450 with alanine.
Molecular consequence: missense variant. On other transcripts: non-coding transcript variant (1), intron variant (1).
Genome position (GRCh38, 1-based): chr13:32,332,826, T>G. VCF-style: chr13-32332826-T-G. GRCh37 (hg19) VCF-style: chr13-32906963-T-G.
Other names: c.1348T>G, p.Ser450Ala (NM_001406719.1, NM_001406720.1, NM_001406721.1 and 1 more transcripts); c.424+1796T>G (NM_001406722.1); short protein forms S450A.
Identifiers: ClinVar variation 5033280 (VCV005033280.1).
Genomic context (GRCh38, chr13:32,332,826, plus strand): 5'-GACACAGAGAACAAAAGAAAGAAAGATTTTCTTACTTCAGAGAATTCTTTGCCACGTATT[T>G]CTAGCCTACCAAAATCAGAGAAGCCATTAAATGAGGAAACAGTGGTAAATAAGAGAGATG-3'
Protein context (NP_000050.3, residues 440-460): LTSENSLPRI[Ser450Ala]SLPKSEKPLN

ClinVar aggregate classification (germline): Uncertain significance (1 of 4 stars; one submission).

Conditions:
Hereditary cancer-predisposing syndrome. Also called: Neoplastic Syndromes, Hereditary; Tumor predisposition; Hereditary neoplastic syndrome; Hereditary Cancer Syndrome. Identifiers: Orphanet 140162, MedGen C0027672, MeSH D009386, MONDO:0015356.

Submission:

Ambry Genetics
Classification: Uncertain significance for Hereditary cancer-predisposing syndrome. Last evaluated: 2026-07-06. Review status: criteria provided, single submitter. Criteria: Ambry Variant Classification Scheme 2023. Collection method: clinical testing. Allele origin: germline.
Comment: The p.S450A variant (also known as c.1348T>G), located in coding exon 9 of the BRCA2 gene, results from a T to G substitution at nucleotide position 1348. The serine at codon 450 is replaced by alanine, an amino acid with similar properties. This amino acid position is conserved. In addition, this alteration is predicted to be tolerated by in silico analysis. Based on the available evidence, the clinical significance of this variant remains unclear.